The following is an entry in ClinVar:

NM_001040108.2(MLH3):c.3914C>A (p.Pro1305Gln)

Gene: MLH3 (mutL homolog 3; minus strand). Cytogenetic location: 14q24.3.
Variant type: single nucleotide variant.
Coding change: c.3914C>A on transcript NM_001040108.2 (MANE Select); coding-DNA position 3914, C replaced by A.
Protein change: p.Pro1305Gln; replaces proline 1305 with glutamine.
Molecular consequence: missense variant.
Genome position (GRCh38, 1-based): chr14:75,030,616, G>T on the plus strand (C>A on the coding strand, the complement: MLH3 is on the minus strand). VCF-style: chr14-75030616-G-T. GRCh37 (hg19) VCF-style: chr14-75497319-G-T.
Other names: c.3842C>A, p.Pro1281Gln (NM_014381.3); short protein forms P1281Q, P1305Q.
Identifiers: ClinVar variation 1736131 (VCV001736131.2), dbSNP rs1409810819, ClinGen allele CA390422747.

ClinVar aggregate classification (germline): Uncertain significance (1 of 4 stars; one submission).

Submission:

Ambry Genetics
Classification: Uncertain significance. Last evaluated: 2021-08-13. Review status: criteria provided, single submitter. Criteria: Ambry Variant Classification Scheme 2023. Collection method: clinical testing. Allele origin: germline.
Comment: The p.P1305Q variant (also known as c.3914C>A), located in coding exon 8 of the MLH3 gene, results from a C to A substitution at nucleotide position 3914. The proline at codon 1305 is replaced by glutamine, an amino acid with similar properties. This amino acid position is conserved. In addition, this alteration is predicted to be deleterious by in silico analysis. Since supporting evidence is limited at this time, the clinical significance of this alteration remains unclear.